The following is an entry in ClinVar:

NM_144499.3(GNAT1):c.292-3C>T

Gene: GNAT1 (G protein subunit alpha transducin 1; plus strand). Cytogenetic location: 3p21.31.
Variant type: single nucleotide variant.
Coding change: c.292-3C>T on transcript NM_144499.3 (MANE Select); 3 bases into the intron before coding-DNA position 292, C replaced by T.
Molecular consequence: intron variant.
Genome position (GRCh38, 1-based): chr3:50,193,503, C>T. VCF-style: chr3-50193503-C-T. GRCh37 (hg19) VCF-style: chr3-50230936-C-T.
Other names: c.292-3C>T (NM_000172.4).
Identifiers: ClinVar variation 933848 (VCV000933848.9), dbSNP rs376181136, ClinGen allele CA2412529.

ClinVar aggregate classification (germline): Conflicting classifications of pathogenicity. Review status: criteria provided, conflicting classifications (1 of 4 stars). 3 submissions from 3 submitters: Uncertain significance (1); Likely benign (1). 1 of the submissions does not count toward it. Last evaluated 2026-01-05.

Conditions:
GNAT1-related disorder. Also called: GNAT1-related condition.

Allele frequency attached by ClinVar (database versions not stated): gnomAD exomes 0.00001 and 0.00003; gnomAD 0.00002 and 0.00004; ExAC 0.00003; TOPMed 0.00005.
gnomAD v4.1: 57 of 1,613,266 alleles (0.0035%); highest among the groups gnomAD compares: Admixed American, 0.013%; 3 homozygotes.

Submissions (3):

Labcorp Genetics (formerly Invitae), Labcorp
Classification: Uncertain significance. Last evaluated: 2026-01-05. Review status: criteria provided, single submitter. Criteria: Invitae Variant Classification Sherloc (09022015). Collection method: clinical testing. Allele origin: germline.
Comment: This sequence change falls in intron 3 of the GNAT1 gene. It does not directly change the encoded amino acid sequence of the GNAT1 protein. It affects a nucleotide within the consensus splice site. This variant is present in population databases (rs376181136, gnomAD 0.01%). This variant has not been reported in the literature in individuals affected with GNAT1-related conditions. ClinVar contains an entry for this variant (Variation ID: 933848). Variants that disrupt the consensus splice site are a relatively common cause of aberrant splicing (PMID: 17576681, 9536098). Algorithms developed to predict the effect of sequence changes on RNA splicing suggest that this variant is not likely to affect RNA splicing. In summary, the available evidence is currently insufficient to determine the role of this variant in disease. Therefore, it has been classified as a Variant of Uncertain Significance.

Blueprint Genetics
Classification: Likely benign. Last evaluated: 2024-11-25. Review status: criteria provided, single submitter. Criteria: ACMG Guidelines, 2015. Collection method: clinical testing. Allele origin: germline.

PreventionGenetics, part of Exact Sciences
Classification: Likely benign for GNAT1-related condition. Last evaluated: 2020-07-30. Review status: no assertion criteria provided. Collection method: clinical testing. Allele origin: germline. Not counted in ClinVar's aggregate classification.
Comment: This variant is classified as likely benign based on ACMG/AMP sequence variant interpretation guidelines (Richards et al. 2015 PMID: 25741868, with internal and published modifications).

Literature cited by the submitters: PubMed 17576681 (cited by Labcorp Genetics (formerly Invitae), Labcorp); PubMed 9536098 (cited by Labcorp Genetics (formerly Invitae), Labcorp).